The following is an entry in ClinVar:

NM_002880.4(RAF1):c.1864G>A (p.Glu622Lys)

Gene: RAF1 (Raf-1 proto-oncogene, serine/threonine kinase; minus strand). Cytogenetic location: 3p25.2.
Variant type: single nucleotide variant.
Coding change: c.1864G>A on transcript NM_002880.4 (MANE Select); coding-DNA position 1864, G replaced by A.
Protein change: p.Glu622Lys; replaces glutamic acid 622 with lysine.
Molecular consequence: missense variant. On other transcripts: non-coding transcript variant (3).
Genome position (GRCh38, 1-based): chr3:12,584,597, C>T on the plus strand (G>A on the coding strand, the complement: RAF1 is on the minus strand). VCF-style: chr3-12584597-C-T. GRCh37 (hg19) VCF-style: chr3-12626096-C-T.
Other names: c.1924G>A, p.Glu642Lys (NM_001354689.3); c.1864G>A, p.Glu622Lys (NM_001354690.3); c.1621G>A, p.Glu541Lys (NM_001354691.3, NM_001354692.3); c.1765G>A, p.Glu589Lys (NM_001354693.3); c.1681G>A, p.Glu561Lys (NM_001354694.3); c.1522G>A, p.Glu508Lys (NM_001354695.3); short protein forms E642K, E561K, E622K, E508K, E541K, E589K.
Identifiers: ClinVar variation 1781558 (VCV001781558.2), dbSNP rs1413563094, ClinGen allele CA351495863.

ClinVar aggregate classification (germline): Uncertain significance (1 of 4 stars; one submission).

Conditions:
Cardiovascular phenotype. Identifiers: MedGen CN230736.

gnomAD v4.1: 1 of 1,614,094 alleles (0.000062%); highest among the groups gnomAD compares: Non-Finnish European, 0.000085%; no homozygotes.

Submission:

Ambry Genetics
Classification: Uncertain significance for Cardiovascular phenotype. Last evaluated: 2022-08-08. Review status: criteria provided, single submitter. Criteria: Ambry Variant Classification Scheme 2023. Collection method: clinical testing. Allele origin: germline.
Comment: The p.E622K variant (also known as c.1864G>A), located in coding exon 16 of the RAF1 gene, results from a G to A substitution at nucleotide position 1864. The glutamic acid at codon 622 is replaced by lysine, an amino acid with similar properties. This amino acid position is conserved. In addition, this alteration is predicted to be deleterious by in silico analysis. Since supporting evidence is limited at this time, the clinical significance of this alteration remains unclear.